The following is an entry in ClinVar:

NM_153676.4(USH1C):c.2240A>G (p.Gln747Arg)

Gene: USH1C (USH1 protein network component harmonin; minus strand). Cytogenetic location: 11p15.1.
Variant type: single nucleotide variant.
Coding change: c.2240A>G on transcript NM_153676.4 (MANE Select); coding-DNA position 2240, A replaced by G.
Protein change: p.Gln747Arg; replaces glutamine 747 with arginine.
Molecular consequence: missense variant. On other transcripts: non-coding transcript variant (1).
Genome position (GRCh38, 1-based): chr11:17,501,522, T>C on the plus strand (A>G on the coding strand, the complement: USH1C is on the minus strand). VCF-style: chr11-17501522-T-C. GRCh37 (hg19) VCF-style: chr11-17523069-T-C.
Other names: c.1283A>G, p.Gln428Arg (NM_001297764.2); c.1340A>G, p.Gln447Arg (NM_005709.4); short protein forms Q447R, Q747R, Q428R.
Identifiers: ClinVar variation 178564 (VCV000178564.12), dbSNP rs201600193, ClinGen allele CA182568.

ClinVar aggregate classification (germline): Uncertain significance. Review status: criteria provided, multiple submitters, no conflicts (2 of 4 stars). 6 submissions from 6 submitters: Uncertain significance (4). 2 of the submissions do not count toward it. Last evaluated 2026-07-28.

Conditions:
Inborn genetic diseases. Identifiers: MedGen C0950123, MeSH D030342.
Autosomal recessive nonsyndromic hearing loss 18A. Also called: DEAFNESS, AUTOSOMAL RECESSIVE 18; Deafness, autosomal recessive 18A. Identifiers: Orphanet 90636, MedGen C1865870, MONDO:0011192, OMIM 602092.
Usher syndrome type 1C. Also called: USHER SYNDROME, TYPE I, ACADIAN VARIETY. Identifiers: Orphanet 231169, Orphanet 886, MedGen C1848604, MONDO:0010171, OMIM 276904.

Allele frequency attached by ClinVar (database versions not stated): gnomAD exomes below 0.00001 and 0.00001; ExAC 0.00001; TOPMed 0.00004; ESP Exome Variant Server 0.00008; gnomAD 0.00008 and 0.00009; 1000 Genomes Project 30x 0.00016; 1000 Genomes Project 0.00020.
gnomAD v4.1: 21 of 1,612,836 alleles (0.0013%); highest among the groups gnomAD compares: African/African-American, 0.027%; no homozygotes.

Submissions (6):

GeneDx
Classification: Uncertain significance. Last evaluated: 2026-07-28. Review status: criteria provided, single submitter. Criteria: GeneDx Variant Classification Process June 2021. Collection method: clinical testing. Allele origin: germline.
Comment: In silico analysis suggests that this missense variant does not alter protein structure/function; Has not been previously published as pathogenic or benign to our knowledge

Ambry Genetics
Classification: Uncertain significance for Inborn genetic diseases. Last evaluated: 2025-08-26. Review status: criteria provided, single submitter. Criteria: Ambry Variant Classification Scheme 2023. Collection method: clinical testing. Allele origin: germline.

Labcorp Genetics (formerly Invitae), Labcorp
Classification: Uncertain significance. Last evaluated: 2022-06-27. Review status: criteria provided, single submitter. Criteria: Invitae Variant Classification Sherloc (09022015). Collection method: clinical testing. Allele origin: germline.
Comment: This sequence change replaces glutamine, which is neutral and polar, with arginine, which is basic and polar, at codon 447 of the USH1C protein (p.Gln447Arg). This variant is present in population databases (rs201600193, gnomAD 0.02%). This variant has not been reported in the literature in individuals affected with USH1C-related conditions. ClinVar contains an entry for this variant (Variation ID: 178564). Algorithms developed to predict the effect of missense changes on protein structure and function are either unavailable or do not agree on the potential impact of this missense change (SIFT: "Tolerated"; PolyPhen-2: "Probably Damaging"; Align-GVGD: "Class C0"). In summary, the available evidence is currently insufficient to determine the role of this variant in disease. Therefore, it has been classified as a Variant of Uncertain Significance.

Laboratory for Molecular Medicine, Mass General Brigham Personalized Medicine
Classification: Uncertain significance. Last evaluated: 2013-07-26. Review status: criteria provided, single submitter. Criteria: LMM Criteria. Collection method: clinical testing. Allele origin: germline. Observed: 1 variant allele.
Comment: The Gln747Arg variant in USH1C has not been identified in individuals with heari ng loss, but has been identified in 0.02% (1/4400) of African American chromosom es from a broad population by the NHLBI Exome Sequencing Project (.; dbSNP rs201600193). Although this variant has been seen in the general population, its frequency is not high enough to rule out a pathogeni c role. Computational analyses (biochemical amino acid properties, conservation, AlignGVGD, PolyPhen2, and SIFT) do not provide strong support for or against an impact to the protein. It should be noted that this variant occurs in exon 20 o f USH1C that is expressed in the ear and not the eye and therefore would likely only be relevant to nonsyndromic hearing loss, not Usher syndrome. In summary, a dditional data is needed to determine the clinical significance of this variant.

Natera, Inc.
Classification: Uncertain significance for Usher syndrome type 1C. Last evaluated: 2020-09-16. Review status: no assertion criteria provided. Collection method: clinical testing. Allele origin: germline. Not counted in ClinVar's aggregate classification.

Counsyl
Classification: Uncertain significance for Usher syndrome type 1C; Autosomal recessive nonsyndromic hearing loss 18A. Last evaluated: 2017-08-01. Review status: no assertion criteria provided. Collection method: clinical testing. Allele origin: unknown. Not counted in ClinVar's aggregate classification.